The following is an entry in ClinVar:

ClinVar aggregate classification (germline): Benign/Likely benign. Review status: criteria provided, multiple submitters, no conflicts (2 of 4 stars). 3 submissions from 3 submitters: Benign (1); Likely benign (2). Last evaluated 2025-09-20.

Conditions:
Birt-Hogg-Dube syndrome 1 (BHD1). Also called: FIBROFOLLICULOMAS WITH TRICHODISCOMAS AND ACROCHORDONS. Identifiers: Orphanet 122, MedGen CN375946, MONDO:0800445, OMIM 135150.
Hereditary cancer-predisposing syndrome. Also called: Hereditary neoplastic syndrome; Neoplastic Syndromes, Hereditary; Tumor predisposition; Hereditary Cancer Syndrome. Identifiers: Orphanet 140162, MedGen C0027672, MeSH D009386, MONDO:0015356.
Birt-Hogg-Dube syndrome. Also called: Birt Hogg Dubé syndrome. Identifiers: Orphanet 122, MedGen C0346010, MONDO:0800444.

Allele frequency attached by ClinVar (database versions not stated): gnomAD exomes below 0.00001 and 0.00001; TOPMed below 0.00001; ExAC 0.00001.

Submissions (3):

Labcorp Genetics (formerly Invitae), Labcorp
Classification: Likely benign for Birt-Hogg-Dube syndrome. Last evaluated: 2025-09-20. Review status: criteria provided, single submitter. Criteria: Invitae Variant Classification Sherloc (09022015). Collection method: clinical testing. Allele origin: germline.

Myriad Genetics, Inc.
Classification: Benign for Birt-Hogg-Dube syndrome 1. Last evaluated: 2024-10-22. Review status: criteria provided, single submitter. Criteria: Myriad Autosomal Dominant, Autosomal Recessive and X-Linked Classification Criteria (2023). Collection method: clinical testing. Allele origin: unknown.
Comment: This variant is considered benign. This variant is a silent/synonymous amino acid change and it is not expected to impact splicing.

Ambry Genetics
Classification: Likely benign for Hereditary cancer-predisposing syndrome. Last evaluated: 2019-07-28. Review status: criteria provided, single submitter. Criteria: Ambry Variant Classification Scheme 2023. Collection method: clinical testing. Allele origin: germline.

NM_144997.7(FLCN):c.456C>T (p.Phe152=)

Gene: FLCN (folliculin; minus strand). Cytogenetic location: 17p11.2.
Variant type: single nucleotide variant.
Coding change: c.456C>T on transcript NM_144997.7 (MANE Select); coding-DNA position 456, C replaced by T.
Protein change: p.Phe152=; no amino-acid change (phenylalanine 152 retained).
Molecular consequence: synonymous variant.
Genome position (GRCh38, 1-based): chr17:17,224,084, G>A on the plus strand (C>T on the coding strand, the complement: FLCN is on the minus strand). VCF-style: chr17-17224084-G-A. GRCh37 (hg19) VCF-style: chr17-17127398-G-A.
Other names: c.456C>T (LRG_325t1); c.510C>T, p.Phe170= (NM_001353229.2); c.456C>T, p.Phe152= (NM_001353230.2, NM_001353231.2, NM_144606.7).
Identifiers: ClinVar variation 460617 (VCV000460617.13), dbSNP rs763630763, ClinGen allele CA8416393.
Genomic context (GRCh38, chr17:17,224,084, plus strand): 5'-GATGCTGTACCAGCGCTGGAAGCCCCTGGCCAGGCTGTCCTTGATGAAGAAGGTGTGGCT[G>A]AACACAAAGCCGTGCTGCTCATCTCCGAAGAAGATGGGGCCTTCACGGCCAGGGCAGACC-3'
Protein context (NP_659434.2, residues 142-162): FFGDEQHGFV[Phe152=]SHTFFIKDSL